The following is an entry in ClinVar:

NM_003482.4(KMT2D):c.4290T>G (p.Cys1430Trp)

Gene: KMT2D (lysine methyltransferase 2D; minus strand). Cytogenetic location: 12q13.12.
Variant type: single nucleotide variant.
Coding change: c.4290T>G on transcript NM_003482.4 (MANE Select); coding-DNA position 4290, T replaced by G.
Protein change: p.Cys1430Trp; replaces cysteine 1430 with tryptophan.
Molecular consequence: missense variant.
Genome position (GRCh38, 1-based): chr12:49,046,737, A>C on the plus strand (T>G on the coding strand, the complement: KMT2D is on the minus strand). VCF-style: chr12-49046737-A-C. GRCh37 (hg19) VCF-style: chr12-49440520-A-C.
Other names: short protein forms C1430W.
Identifiers: ClinVar variation 2761365 (VCV002761365.3), dbSNP rs2120612017, ClinGen allele CA384647417.

ClinVar aggregate classification (germline): Likely pathogenic (1 of 4 stars; one submission).

Conditions:
Kabuki syndrome. Also called: NIIKAWA-KUROKI SYNDROME; Kabuki make-up syndrome. Identifiers: Orphanet 2322, MedGen C0796004, MONDO:0016512.

Submission:

Labcorp Genetics (formerly Invitae), Labcorp
Classification: Likely pathogenic for Kabuki syndrome. Last evaluated: 2024-03-05. Review status: criteria provided, single submitter. Criteria: Invitae Variant Classification Sherloc (09022015). Collection method: clinical testing. Allele origin: germline.
Comment: This sequence change replaces cysteine, which is neutral and slightly polar, with tryptophan, which is neutral and slightly polar, at codon 1430 of the KMT2D protein (p.Cys1430Trp). This variant is not present in population databases (gnomAD no frequency). This missense change has been observed in individual(s) with clinical features of Kabuki syndrome (Invitae). In at least one individual the variant was observed to be de novo. Advanced modeling of protein sequence and biophysical properties (such as structural, functional, and spatial information, amino acid conservation, physicochemical variation, residue mobility, and thermodynamic stability) has been performed at Invitae for this missense variant, however the output from this modeling did not meet the statistical confidence thresholds required to predict the impact of this variant on KMT2D protein function. This variant disrupts the p.Cys1430 amino acid residue in KMT2D. Other variant(s) that disrupt this residue have been observed in individuals with KMT2D-related conditions (PMID: 21671394), which suggests that this may be a clinically significant amino acid residue. In summary, the currently available evidence indicates that the variant is pathogenic, but additional data are needed to prove that conclusively. Therefore, this variant has been classified as Likely Pathogenic.

Literature cited by the submitters: PubMed 21671394.